The following is an entry in ClinVar:

ClinVar aggregate classification (germline): Benign. Review status: criteria provided, multiple submitters, no conflicts (2 of 4 stars). 12 submissions from 11 submitters: Benign (11). 1 of the submissions does not count toward it. Last evaluated 2026-01-26.

Conditions:
DYNC1H1-related disorder. Also called: DYNC1H1-related condition; DYNC1H1-related disorders. Identifiers: MedGen CN381529.
Inborn genetic diseases. Identifiers: MedGen C0950123, MeSH D030342.
Autosomal dominant cerebellar ataxia. Also called: Spinocerebellar Ataxia, Dominant. Identifiers: Orphanet 99, MedGen C4087347, MONDO:0020380.
Charcot-Marie-Tooth disease. Also called: Charcot-Marie-Tooth Neuropathy; Charcot-Marie-Tooth Hereditary Neuropathy. Identifiers: Orphanet 166, MedGen C0007959, MONDO:0015626.
Charcot-Marie-Tooth disease axonal type 2O. Also called: Charcot-Marie-Tooth Neuropathy Type 2O; Charcot-Marie-Tooth disease, axonal, type 20; CHARCOT-MARIE-TOOTH NEUROPATHY, AXONAL, TYPE 2O; CHARCOT-MARIE-TOOTH DISEASE, AXONAL, AUTOSOMAL DOMINANT, TYPE 2O. Identifiers: Orphanet 284232, MedGen C3280220, MONDO:0013644, OMIM 614228.

Allele frequency attached by ClinVar (database versions not stated): ESP Exome Variant Server 0.00054; TOPMed 0.00089; gnomAD exomes 0.00292 and 0.00705; gnomAD 0.00495 and 0.00496; ExAC 0.00624; 1000 Genomes Project 30x 0.00625; 1000 Genomes Project 0.00719.
gnomAD v4.1: 5,026 of 1,614,182 alleles (0.31%); highest among the groups gnomAD compares: East Asian, 1.6%; 108 homozygotes.

Submissions (12):

Labcorp Genetics (formerly Invitae), Labcorp
Classification: Benign for Charcot-Marie-Tooth disease axonal type 2O. Last evaluated: 2026-01-26. Review status: criteria provided, single submitter. Criteria: Invitae Variant Classification Sherloc (09022015). Collection method: clinical testing. Allele origin: germline.

ARUP Laboratories, Molecular Genetics and Genomics, ARUP Laboratories
Classification: Benign. Last evaluated: 2025-01-31. Review status: criteria provided, single submitter. Criteria: ARUP Molecular Germline Variant Investigation Process 2024. Collection method: clinical testing. Allele origin: germline.

Blueprint Genetics
Classification: Benign. Last evaluated: 2024-11-25. Review status: criteria provided, single submitter. Criteria: ACMG Guidelines, 2015. Collection method: clinical testing. Allele origin: germline.

CeGaT Center for Human Genetics Tuebingen
Classification: Benign. Last evaluated: 2024-07-01. Review status: criteria provided, single submitter. Criteria: CeGaT Center For Human Genetics Tuebingen Variant Classification Criteria Version 2. Collection method: clinical testing. Allele origin: germline. Affected: yes. Observed: 5 variant alleles.
Comment: DYNC1H1: BS1, BS2

Genetic Services Laboratory, University of Chicago
Classification: Benign. Last evaluated: 2019-01-22. Review status: criteria provided, single submitter. Criteria: ACMG Guidelines, 2015. Collection method: clinical testing. Allele origin: germline. Affected: no.

Illumina Laboratory Services, Illumina
Classification: Benign for Charcot-Marie-Tooth disease axonal type 2O. Last evaluated: 2018-01-12. Review status: criteria provided, single submitter. Criteria: ICSL Variant Classification Criteria 13 December 2019. Collection method: clinical testing. Allele origin: germline.
Comment: This variant was observed in the ICSL laboratory as part of a predisposition screen in an ostensibly healthy population. It had not been previously curated by ICSL or reported in the Human Gene Mutation Database (HGMD: prior to June 1st, 2018), and was therefore a candidate for classification through an automated scoring system. Utilizing variant allele frequency, disease prevalence and penetrance estimates, and inheritance mode, an automated score was calculated to assess if this variant is too frequent to cause the disease. Based on the score and internal cut-off values, a variant classified as benign is not then subjected to further curation. The score for this variant resulted in a classification of benign for this disease.

Illumina Laboratory Services, Illumina
Classification: Benign for Spinocerebellar Ataxia, Dominant. Last evaluated: 2018-01-12. Review status: criteria provided, single submitter. Criteria: ICSL Variant Classification Criteria 13 December 2019. Collection method: clinical testing. Allele origin: germline.
Comment: the same text as in the submission from Illumina Laboratory Services, Illumina above.

Mayo Clinic Laboratories, Mayo Clinic
Classification: Benign. Last evaluated: 2016-10-26. Review status: criteria provided, single submitter. Criteria: ACMG Guidelines, 2015. Collection method: clinical testing. Allele origin: germline. Observed: 3 variant alleles.

Ambry Genetics
Classification: Benign for Inborn genetic diseases. Last evaluated: 2016-08-19. Review status: criteria provided, single submitter. Criteria: Ambry Variant Classification Scheme 2023. Collection method: clinical testing. Allele origin: germline.

GeneDx
Classification: Benign. Last evaluated: 2015-04-28. Review status: criteria provided, single submitter. Criteria: GeneDx Variant Classification (06012015). Collection method: clinical testing. Allele origin: germline. Affected: yes.
Comment: This variant is considered likely benign or benign based on one or more of the following criteria: it is a conservative change, it occurs at a poorly conserved position in the protein, it is predicted to be benign by multiple in silico algorithms, and/or has population frequency not consistent with disease.

Molecular Genetics Laboratory, London Health Sciences Centre
Classification: Benign for Charcot-Marie-Tooth disease. Review status: criteria provided, single submitter. Criteria: ACMG Guidelines, 2015. Collection method: clinical testing. Allele origin: germline. Affected: yes.

PreventionGenetics, part of Exact Sciences
Classification: Benign for DYNC1H1-related condition. Last evaluated: 2023-12-18. Review status: no assertion criteria provided. Collection method: clinical testing. Allele origin: germline. Not counted in ClinVar's aggregate classification.
Comment: This variant is classified as benign based on ACMG/AMP sequence variant interpretation guidelines (Richards et al. 2015 PMID: 25741868, with internal and published modifications).

NM_001376.5(DYNC1H1):c.11765C>T (p.Pro3922Leu)

Gene: DYNC1H1 (dynein cytoplasmic 1 heavy chain 1; plus strand). Cytogenetic location: 14q32.31.
Variant type: single nucleotide variant.
Coding change: c.11765C>T on transcript NM_001376.5 (MANE Select); coding-DNA position 11765, C replaced by T.
Protein change: p.Pro3922Leu; replaces proline 3922 with leucine.
Molecular consequence: missense variant.
Genome position (GRCh38, 1-based): chr14:102,040,310, C>T. VCF-style: chr14-102040310-C-T. GRCh37 (hg19) VCF-style: chr14-102506647-C-T.
Other names: p.Pro3922Leu; short protein forms P3922L.
Identifiers: ClinVar variation 312653 (VCV000312653.59), dbSNP rs141696238, ClinGen allele CA7353717.